The following is an entry in ClinVar:

ClinVar aggregate classification (germline): Conflicting classifications of pathogenicity. Review status: criteria provided, conflicting classifications (1 of 4 stars). 6 submissions from 5 submitters: Uncertain significance (5); Likely benign (1). Last evaluated 2024-12-06.

Conditions:
Inborn genetic diseases. Identifiers: MedGen C0950123, MeSH D030342.
Schwartz-Jampel syndrome. Also called: Myotonic myopathy dwarfism chondrodystrophy and ocular and facial abnormalities. Identifiers: Orphanet 800, MedGen C0036391, MONDO:0009717.
Lethal Kniest-like syndrome (DDSH). Also called: Dyssegmental Dysplasia. Identifiers: Orphanet 1865, MedGen C1857100, MONDO:0009140, OMIM 224410.

Allele frequency attached by ClinVar (database versions not stated): ExAC 0.00005; gnomAD exomes 0.00006 and 0.00015; ESP Exome Variant Server 0.00008; TOPMed 0.00009; gnomAD 0.00010 and 0.00011.
gnomAD v4.1: 232 of 1,613,968 alleles (0.014%); highest among the groups gnomAD compares: Non-Finnish European, 0.019%; no homozygotes.

Submissions (6):

ARUP Laboratories, Molecular Genetics and Genomics, ARUP Laboratories
Classification: Uncertain significance. Last evaluated: 2024-12-06. Review status: criteria provided, single submitter. Criteria: ARUP Molecular Germline Variant Investigation Process 2024. Collection method: clinical testing. Allele origin: germline.
Comment: The HSPG2 c.9770G>A; p.Arg3257Gln variant (rs202018841), to our knowledge, is not reported in the medical literature but is reported in ClinVar (Variation ID: 295752). This variant is found in the general population with an overall allele frequency of 0.0067% (19/282328 alleles) in the Genome Aggregation Database (v2.1.1). Computational analyses predict that this variant is neutral (REVEL: 0.078). Due to limited information, the clinical significance of this variant is uncertain at this time.

Ambry Genetics
Classification: Likely benign for Inborn genetic diseases. Last evaluated: 2023-12-19. Review status: criteria provided, single submitter. Criteria: Ambry Variant Classification Scheme 2023. Collection method: clinical testing. Allele origin: germline.

Labcorp Genetics (formerly Invitae), Labcorp
Classification: Uncertain significance. Last evaluated: 2022-07-12. Review status: criteria provided, single submitter. Criteria: Invitae Variant Classification Sherloc (09022015). Collection method: clinical testing. Allele origin: germline.
Comment: This sequence change replaces arginine, which is basic and polar, with glutamine, which is neutral and polar, at codon 3257 of the HSPG2 protein (p.Arg3257Gln). This variant is present in population databases (rs202018841, gnomAD 0.01%). This variant has not been reported in the literature in individuals affected with HSPG2-related conditions. ClinVar contains an entry for this variant (Variation ID: 295752). Algorithms developed to predict the effect of missense changes on protein structure and function output the following: SIFT: "Tolerated"; PolyPhen-2: "Benign"; Align-GVGD: "Class C0". The glutamine amino acid residue is found in multiple mammalian species, which suggests that this missense change does not adversely affect protein function. In summary, the available evidence is currently insufficient to determine the role of this variant in disease. Therefore, it has been classified as a Variant of Uncertain Significance.

Revvity Omics, Revvity
Classification: Uncertain significance. Last evaluated: 2019-06-18. Review status: criteria provided, single submitter. Criteria: ACMG Guidelines, 2015. Collection method: clinical testing. Allele origin: germline.

Illumina Laboratory Services, Illumina
Classification: Uncertain significance for Schwartz-Jampel syndrome type 1. Last evaluated: 2018-01-13. Review status: criteria provided, single submitter. Criteria: ICSL Variant Classification Criteria 13 December 2019. Collection method: clinical testing. Allele origin: germline.

Illumina Laboratory Services, Illumina
Classification: Uncertain significance for Lethal Kniest-like syndrome. Last evaluated: 2018-01-13. Review status: criteria provided, single submitter. Criteria: ICSL Variant Classification Criteria 13 December 2019. Collection method: clinical testing. Allele origin: germline.

NM_005529.7(HSPG2):c.9770G>A (p.Arg3257Gln)

Gene: HSPG2 (heparan sulfate proteoglycan 2; minus strand). Cytogenetic location: 1p36.12.
Variant type: single nucleotide variant.
Coding change: c.9770G>A on transcript NM_005529.7 (MANE Select); coding-DNA position 9770, G replaced by A.
Protein change: p.Arg3257Gln; replaces arginine 3257 with glutamine.
Molecular consequence: missense variant.
Genome position (GRCh38, 1-based): chr1:21,839,490, C>T on the plus strand (G>A on the coding strand, the complement: HSPG2 is on the minus strand). VCF-style: chr1-21839490-C-T. GRCh37 (hg19) VCF-style: chr1-22165983-C-T.
Other names: c.9773G>A, p.Arg3258Gln (NM_001291860.2); short protein forms R3257Q, R3258Q.
Identifiers: ClinVar variation 295752 (VCV000295752.14), dbSNP rs202018841, ClinGen allele CA670336.